The following is an entry in ClinVar:

ClinVar aggregate classification (germline): Pathogenic (1 of 4 stars; one submission).

Conditions:
Curry-Hall syndrome (WAD). Also called: WEYERS ACRODENTAL DYSOSTOSIS. Identifiers: Orphanet 952, MedGen C0457013, MONDO:0008673, OMIM 193530.
Ellis-van Creveld syndrome (EVC). Also called: EVC-Related Ellis-van Creveld Syndrome; EVC2-Related Ellis-van Creveld Syndrome; Chondroectodermal dysplasia; MESOECTODERMAL DYSPLASIA. Identifiers: Orphanet 289, MedGen C0013903, MONDO:0009162, OMIM 225500.

Allele frequency attached by ClinVar (database versions not stated): gnomAD exomes below 0.00001 and 0.00001; ExAC 0.00001; gnomAD 0.00001.
gnomAD v4.1: 3 of 1,614,036 alleles (0.00019%); highest among the groups gnomAD compares: South Asian, 0.0033%; no homozygotes.

Submission:

Labcorp Genetics (formerly Invitae), Labcorp
Classification: Pathogenic for Curry-Hall syndrome; Ellis-van Creveld syndrome. Last evaluated: 2022-08-23. Review status: criteria provided, single submitter. Criteria: Invitae Variant Classification Sherloc (09022015). Collection method: clinical testing. Allele origin: germline.
Comment: This variant has not been reported in the literature in individuals affected with EVC-related conditions. For these reasons, this variant has been classified as Pathogenic. Algorithms developed to predict the effect of sequence changes on RNA splicing suggest that this variant may disrupt the consensus splice site. ClinVar contains an entry for this variant (Variation ID: 1390075). This variant is present in population databases (rs753152908, gnomAD 0.006%). This sequence change creates a premature translational stop signal (p.Gln442*) in the EVC gene. It is expected to result in an absent or disrupted protein product. Loss-of-function variants in EVC are known to be pathogenic (PMID: 23220543).

Literature cited by the submitters: PubMed 23220543.

NM_153717.3(EVC):c.1324C>T (p.Gln442Ter)

Gene: EVC (EvC ciliary complex subunit 1; plus strand). Cytogenetic location: 4p16.2.
Variant type: single nucleotide variant.
Coding change: c.1324C>T on transcript NM_153717.3 (MANE Select); coding-DNA position 1324, C replaced by T.
Protein change: p.Gln442Ter; replaces glutamine 442 with a stop codon.
Molecular consequence: nonsense.
Genome position (GRCh38, 1-based): chr4:5,753,793, C>T. VCF-style: chr4-5753793-C-T. GRCh37 (hg19) VCF-style: chr4-5755520-C-T.
Other names: c.1324C>T, p.Gln442Ter (NM_001306090.2, NM_001306092.2); short protein forms Q442*.
Identifiers: ClinVar variation 1390075 (VCV001390075.7), dbSNP rs753152908, ClinGen allele CA2836072.